The following is an entry in ClinVar:

ClinVar aggregate classification (germline): Benign/Likely benign. Review status: criteria provided, multiple submitters, no conflicts (2 of 4 stars). 5 submissions from 5 submitters: Benign (1); Likely benign (4). Last evaluated 2024-12-20.

Conditions:
Hereditary cancer-predisposing syndrome. Also called: Neoplastic Syndromes, Hereditary; Tumor predisposition; Hereditary Cancer Syndrome; Hereditary neoplastic syndrome. Identifiers: Orphanet 140162, MedGen C0027672, MeSH D009386, MONDO:0015356.
Familial adenomatous polyposis 1 (FAP1). Also called: FAMILIAL ADENOMATOUS POLYPOSIS 1, ATTENUATED; POLYPOSIS, ADENOMATOUS INTESTINAL. Identifiers: MedGen C2713442, MONDO:0021056, OMIM 175100. Disease mechanism: loss of function.

Allele frequency attached by ClinVar (database versions not stated): gnomAD 0.00001.
gnomAD v4.1: 5 of 1,613,028 alleles (0.00031%); highest among the groups gnomAD compares: Non-Finnish European, 0.00042%; no homozygotes.

Submissions (5):

Labcorp Genetics (formerly Invitae), Labcorp
Classification: Likely benign for Familial adenomatous polyposis 1. Last evaluated: 2024-12-20. Review status: criteria provided, single submitter. Criteria: Invitae Variant Classification Sherloc (09022015). Collection method: clinical testing. Allele origin: germline.

Myriad Genetics, Inc.
Classification: Benign for Familial adenomatous polyposis 1. Last evaluated: 2024-02-26. Review status: criteria provided, single submitter. Criteria: Myriad Autosomal Dominant, Autosomal Recessive and X-Linked Classification Criteria (2023). Collection method: clinical testing. Allele origin: unknown.
Comment: This variant is considered benign. This variant is a silent/synonymous amino acid change and it is not expected to impact splicing.

Women's Health and Genetics/Laboratory Corporation of America, LabCorp
Classification: Likely benign. Last evaluated: 2020-01-31. Review status: criteria provided, single submitter. Criteria: LabCorp Variant Classification Summary - May 2015. Collection method: clinical testing. Allele origin: germline.

Color Diagnostics, LLC DBA Color Health
Classification: Likely benign for Hereditary cancer-predisposing syndrome. Last evaluated: 2017-03-23. Review status: criteria provided, single submitter. Criteria: ACMG Guidelines, 2015. Collection method: clinical testing. Allele origin: germline.

Ambry Genetics
Classification: Likely benign for Hereditary cancer-predisposing syndrome. Last evaluated: 2016-07-18. Review status: criteria provided, single submitter. Criteria: Ambry Variant Classification Scheme 2023. Collection method: clinical testing. Allele origin: germline.

NM_000038.6(APC):c.771T>C (p.Ala257=)

Gene: APC (APC regulator of Wnt signaling pathway; plus strand). Cytogenetic location: 5q22.2.
Variant type: single nucleotide variant.
Coding change: c.771T>C on transcript NM_000038.6 (MANE Select); coding-DNA position 771, T replaced by C.
Protein change: p.Ala257=; no amino-acid change (alanine 257 retained).
Molecular consequence: synonymous variant. On other transcripts: 5 prime UTR variant (1).
Genome position (GRCh38, 1-based): chr5:112,801,320, T>C. VCF-style: chr5-112801320-T-C. GRCh37 (hg19) VCF-style: chr5-112137017-T-C.
Other names: c.771T>C, p.Ala257= (NM_001354895.2, NM_001354896.2, NM_001354903.2 and 1 more transcripts); c.801T>C, p.Ala267= (NM_001354897.2, NM_001354902.2); c.696T>C, p.Ala232= (NM_001354904.2, NM_001354898.2); c.687T>C, p.Ala229= (NM_001354899.2); c.594T>C, p.Ala198= (NM_001354900.2, NM_001354901.2, NM_001354905.2); c.717T>C, p.Ala239= (NM_001127511.3); c.-265T>C (NM_001354906.2).
Identifiers: ClinVar variation 482387 (VCV000482387.18), dbSNP rs1554076169, ClinGen allele CA445755625.